The following is an entry in ClinVar:

ClinVar aggregate classification (germline): Likely benign (1 of 4 stars; one submission).

Submission:

Mayo Clinic Laboratories, Mayo Clinic
Classification: Likely benign. Last evaluated: 2025-11-27. Review status: criteria provided, single submitter. Criteria: ACMG Guidelines, 2015. Collection method: clinical testing. Allele origin: germline. Observed: 1 variant allele.
Comment: BP4, BP7

NM_017775.4(TTC19):c.78G>T (p.Ala26=)

Genes: TTC19 (tetratricopeptide repeat domain 19; plus strand), LOC130060311 (ATAC-STARR-seq lymphoblastoid silent region 8214; plus strand). Cytogenetic location: 17p12.
Variant type: single nucleotide variant.
Coding change: c.78G>T on transcript NM_017775.4 (MANE Select); coding-DNA position 78, G replaced by T.
Protein change: p.Ala26=; no amino-acid change (alanine 26 retained).
Molecular consequence: synonymous variant. On other transcripts: 5 prime UTR variant (1).
Genome position (GRCh38, 1-based): chr17:15,999,926, G>T. VCF-style: chr17-15999926-G-T. GRCh37 (hg19) VCF-style: chr17-15903240-G-T.
Other names: p.Ala26=; c.-381G>T (NM_001271420.2).
Identifiers: ClinVar variation 4684194 (VCV004684194.1).